The following is an entry in ClinVar:

ClinVar aggregate classification (germline): Uncertain significance (1 of 4 stars; one submission).

Allele frequency attached by ClinVar (database versions not stated): gnomAD 0.00001; gnomAD exomes 0.00001 and 0.00002; ExAC 0.00002; TOPMed 0.00002; ESP Exome Variant Server 0.00008; 1000 Genomes Project 30x 0.00016; 1000 Genomes Project 0.00020.
gnomAD v4.1: 29 of 1,614,130 alleles (0.0018%); highest among the groups gnomAD compares: South Asian, 0.0077%; no homozygotes.

Submission:

Labcorp Genetics (formerly Invitae), Labcorp
Classification: Uncertain significance. Last evaluated: 2022-02-05. Review status: criteria provided, single submitter. Criteria: Invitae Variant Classification Sherloc (09022015). Collection method: clinical testing. Allele origin: germline.
Comment: Algorithms developed to predict the effect of sequence changes on RNA splicing suggest that this variant may create or strengthen a splice site. Algorithms developed to predict the effect of missense changes on protein structure and function are either unavailable or do not agree on the potential impact of this missense change (SIFT: "Deleterious"; PolyPhen-2: "Benign"; Align-GVGD: "Class C0"). This variant has not been reported in the literature in individuals affected with CDC45-related conditions. This variant is present in population databases (rs141618921, gnomAD 0.006%). This sequence change replaces arginine, which is basic and polar, with glutamine, which is neutral and polar, at codon 301 of the CDC45 protein (p.Arg301Gln). In summary, the available evidence is currently insufficient to determine the role of this variant in disease. Therefore, it has been classified as a Variant of Uncertain Significance.

NM_003504.5(CDC45):c.806G>A (p.Arg269Gln)

Gene: CDC45 (cell division cycle 45; plus strand). Cytogenetic location: 22q11.21.
Variant type: single nucleotide variant.
Coding change: c.806G>A on transcript NM_003504.5 (MANE Select); coding-DNA position 806, G replaced by A.
Protein change: p.Arg269Gln; replaces arginine 269 with glutamine.
Molecular consequence: missense variant. On other transcripts: non-coding transcript variant (1).
Genome position (GRCh38, 1-based): chr22:19,505,463, G>A. VCF-style: chr22-19505463-G-A. GRCh37 (hg19) VCF-style: chr22-19492986-G-A.
Other names: c.902G>A, p.Arg301Gln (NM_001178010.2); c.668G>A, p.Arg223Gln (NM_001178011.2); c.770G>A, p.Arg257Gln (NM_001369291.1); short protein forms R223Q, R301Q, R257Q, R269Q.
Identifiers: ClinVar variation 1465037 (VCV001465037.7), dbSNP rs141618921, ClinGen allele CA10101234.